The following is an entry in ClinVar:

ClinVar aggregate classification (germline): Uncertain significance. Review status: criteria provided, multiple submitters, no conflicts (2 of 4 stars). 2 submissions from 2 submitters: Uncertain significance (2). Last evaluated 2025-01-16.

Conditions:
Familial thoracic aortic aneurysm and aortic dissection (TAAD). Also called: Thoracic aortic aneurysms and dissections. Identifiers: Orphanet 91387, MedGen C4707243, MONDO:0019625.

gnomAD v4.1: 1 of 1,611,844 alleles (0.000062%); highest among the groups gnomAD compares: Non-Finnish European, 0.000085%; no homozygotes.

Submissions (2):

Ambry Genetics
Classification: Uncertain significance for Familial thoracic aortic aneurysm and aortic dissection. Last evaluated: 2025-01-16. Review status: criteria provided, single submitter. Criteria: Ambry Variant Classification Scheme 2023. Collection method: clinical testing. Allele origin: germline.
Comment: The p.Q1227E variant (also known as c.3679C>G), located in coding exon 27 of the MYH11 gene, results from a C to G substitution at nucleotide position 3679. The glutamine at codon 1227 is replaced by glutamic acid, an amino acid with highly similar properties. This amino acid position is conserved. In addition, the in silico prediction for this alteration is inconclusive. Based on the available evidence, the clinical significance of this variant remains unclear.

CeGaT Center for Human Genetics Tuebingen
Classification: Uncertain significance. Last evaluated: 2024-09-01. Review status: criteria provided, single submitter. Criteria: CeGaT Center For Human Genetics Tuebingen Variant Classification Criteria Version 2. Collection method: clinical testing. Allele origin: germline. Affected: yes. Observed: 1 variant allele.
Comment: MYH11: PM2, BP4

NM_002474.3(MYH11):c.3679C>G (p.Gln1227Glu)

Gene: MYH11 (myosin heavy chain 11; minus strand). Cytogenetic location: 16p13.11.
Variant type: single nucleotide variant.
Coding change: c.3679C>G on transcript NM_002474.3 (MANE Select); coding-DNA position 3679, C replaced by G.
Protein change: p.Gln1227Glu; replaces glutamine 1227 with glutamic acid.
Molecular consequence: missense variant.
Genome position (GRCh38, 1-based): chr16:15,727,027, G>C on the plus strand (C>G on the coding strand, the complement: MYH11 is on the minus strand). VCF-style: chr16-15727027-G-C. GRCh37 (hg19) VCF-style: chr16-15820884-G-C.
Other names: c.3700C>G, p.Gln1234Glu (NM_001040113.2, NM_001040114.2); c.3679C>G, p.Gln1227Glu (NM_022844.3); c.3679C>G (NM_002474.2); short protein forms Q1227E, Q1234E.
Identifiers: ClinVar variation 3388868 (VCV003388868.15).